The following is an entry in ClinVar:

NM_000321.3(RB1):c.1783C>T (p.Pro595Ser)

Gene: RB1 (RB transcriptional corepressor 1; plus strand). Cytogenetic location: 13q14.2.
Variant type: single nucleotide variant.
Coding change: c.1783C>T on transcript NM_000321.3 (MANE Select); coding-DNA position 1783, C replaced by T.
Protein change: p.Pro595Ser; replaces proline 595 with serine.
Molecular consequence: missense variant.
Genome position (GRCh38, 1-based): chr13:48,453,080, C>T. VCF-style: chr13-48453080-C-T. GRCh37 (hg19) VCF-style: chr13-49027216-C-T.
Other names: c.1783C>T (NM_000321.2); short protein forms P595S.
Identifiers: ClinVar variation 1051272 (VCV001051272.11), dbSNP rs1949338684, ClinGen allele CA388165605.

ClinVar aggregate classification (germline): Uncertain significance. Review status: criteria provided, multiple submitters, no conflicts (2 of 4 stars). 3 submissions from 3 submitters: Uncertain significance (3). Last evaluated 2024-06-13.

Conditions:
Hereditary cancer-predisposing syndrome. Also called: Tumor predisposition; Hereditary neoplastic syndrome; Hereditary Cancer Syndrome; Neoplastic Syndromes, Hereditary. Identifiers: Orphanet 140162, MedGen C0027672, MeSH D009386, MONDO:0015356.
Retinoblastoma (RB1). Also called: RETINOBLASTOMA, SOMATIC. Identifiers: Orphanet 790, MedGen C0035335, MeSH D012175, MONDO:0008380, OMIM 180200, HP:0009919. Disease mechanism: loss of function. Inheritance: Both sporadic and heritable forms are tested..

Submissions (3):

Ambry Genetics
Classification: Uncertain significance for Hereditary cancer-predisposing syndrome. Last evaluated: 2024-06-13. Review status: criteria provided, single submitter. Criteria: Ambry Variant Classification Scheme 2023. Collection method: clinical testing. Allele origin: germline.
Comment: The p.P595S variant (also known as c.1783C>T), located in coding exon 18 of the RB1 gene, results from a C to T substitution at nucleotide position 1783. The proline at codon 595 is replaced by serine, an amino acid with similar properties. This amino acid position is highly conserved in available vertebrate species. In addition, the in silico prediction for this alteration is inconclusive. Based on the available evidence, the clinical significance of this variant remains unclear.

Labcorp Genetics (formerly Invitae), Labcorp
Classification: Uncertain significance for Retinoblastoma. Last evaluated: 2023-06-27. Review status: criteria provided, single submitter. Criteria: Invitae Variant Classification Sherloc (09022015). Collection method: clinical testing. Allele origin: germline.
Comment: In summary, the available evidence is currently insufficient to determine the role of this variant in disease. Therefore, it has been classified as a Variant of Uncertain Significance. Advanced modeling of protein sequence and biophysical properties (such as structural, functional, and spatial information, amino acid conservation, physicochemical variation, residue mobility, and thermodynamic stability) performed at Invitae indicates that this missense variant is not expected to disrupt RB1 protein function. ClinVar contains an entry for this variant (Variation ID: 1051272). This variant has not been reported in the literature in individuals affected with RB1-related conditions. This variant is not present in population databases (gnomAD no frequency). This sequence change replaces proline, which is neutral and non-polar, with serine, which is neutral and polar, at codon 595 of the RB1 protein (p.Pro595Ser).

All of Us Research Program, National Institutes of Health
Classification: Uncertain significance for Retinoblastoma. Last evaluated: 2023-02-10. Review status: criteria provided, single submitter. Criteria: ACMG Guidelines, 2015. Collection method: clinical testing. Allele origin: germline. Inheritance: Autosomal dominant inheritance. Observed: 1 variant allele, 1 heterozygote.
Comment: This study involves interpretation of variants in research participants for the purpose of population health screening. Participant phenotype was not available at the time of variant classification. Additional details can be found in publication PMID: 35346344, PMCID: PMC8962531